The following is an entry in ClinVar:

ClinVar aggregate classification (germline): Conflicting classifications of pathogenicity. Review status: criteria provided, conflicting classifications (1 of 4 stars). 10 submissions from 8 submitters: Uncertain significance (2); Benign (2); Likely benign (4). 2 of the submissions do not count toward it. Last evaluated 2026-01-28.

Conditions:
Autosomal dominant nonsyndromic hearing loss 11. Identifiers: Orphanet 90635, MedGen C1832475, MONDO:0011032, OMIM 601317.
Autosomal recessive nonsyndromic hearing loss 2. Also called: NEUROSENSORY NONSYNDROMIC RECESSIVE DEAFNESS 2; DEAFNESS, AUTOSOMAL RECESSIVE 2. Identifiers: Orphanet 90636, MedGen C1838701, MONDO:0010807, OMIM 600060.
Usher syndrome type 1 (USH1). Also called: RETINITIS PIGMENTOSA AND CONGENITAL DEAFNESS. Identifiers: Orphanet 231169, Orphanet 886, MedGen C1568247, MONDO:0010168, OMIM 276900.

Allele frequency attached by ClinVar (database versions not stated): TOPMed 0.00083; gnomAD 0.00115 and 0.00122; gnomAD exomes 0.00124 and 0.00172; ExAC 0.00142; ESP Exome Variant Server 0.00149.
gnomAD v4.1: 2,607 of 1,588,208 alleles (0.16%); highest among the groups gnomAD compares: Non-Finnish European, 0.2%; 4 homozygotes.

Submissions (10):

Labcorp Genetics (formerly Invitae), Labcorp
Classification: Benign. Last evaluated: 2026-01-28. Review status: criteria provided, single submitter. Criteria: Invitae Variant Classification Sherloc (09022015). Collection method: clinical testing. Allele origin: germline.

Blueprint Genetics
Classification: Likely benign. Last evaluated: 2024-11-21. Review status: criteria provided, single submitter. Criteria: ACMG Guidelines, 2015. Collection method: clinical testing. Allele origin: germline.

GeneDx
Classification: Likely benign. Last evaluated: 2021-05-18. Review status: criteria provided, single submitter. Criteria: GeneDx Variant Classification Process June 2021. Collection method: clinical testing. Allele origin: germline. Affected: yes.

Illumina Laboratory Services, Illumina
Classification: Uncertain significance for Autosomal recessive nonsyndromic hearing loss 2. Last evaluated: 2018-01-12. Review status: criteria provided, single submitter. Criteria: ICSL Variant Classification Criteria 13 December 2019. Collection method: clinical testing. Allele origin: germline.

Illumina Laboratory Services, Illumina
Classification: Uncertain significance for Usher syndrome type 1. Last evaluated: 2018-01-12. Review status: criteria provided, single submitter. Criteria: ICSL Variant Classification Criteria 13 December 2019. Collection method: clinical testing. Allele origin: germline.

Illumina Laboratory Services, Illumina
Classification: Likely benign for Autosomal dominant nonsyndromic hearing loss 11. Last evaluated: 2018-01-12. Review status: criteria provided, single submitter. Criteria: ICSL Variant Classification Criteria 13 December 2019. Collection method: clinical testing. Allele origin: germline.
Comment: This variant was observed in the ICSL laboratory as part of a predisposition screen in an ostensibly healthy population. It had not been previously curated by ICSL or reported in the Human Gene Mutation Database (HGMD: prior to June 1st, 2018), and was therefore a candidate for classification through an automated scoring system. Utilizing variant allele frequency, disease prevalence and penetrance estimates, and inheritance mode, an automated score was calculated to assess if this variant is too frequent to cause the disease. Based on the score and internal cut-off values, a variant classified as likely benign is not then subjected to further curation. The score for this variant resulted in a classification of likely benign for this disease.

Laboratory for Molecular Medicine, Mass General Brigham Personalized Medicine
Classification: Benign. Last evaluated: 2017-09-22. Review status: criteria provided, single submitter. Criteria: LMM Criteria. Collection method: clinical testing. Allele origin: germline. Observed: 4 variant alleles.
Comment: p.Pro1615Pro in exon 35 of MYO7A: This variant is not expected to have clinical significance because it does not alter an amino acid residue and is not located within the splice consensus sequence. It has been identified in 0.38% (95/24636) of Finnish chromosomes and 0.2% (237/120408) of Non-Finnish European chromosome s including 1 homozygote by the Genome Aggregation Database (gnomAD; dbSNP rs61900036).

Eurofins Ntd Llc (ga)
Classification: Likely benign. Last evaluated: 2016-08-01. Review status: criteria provided, single submitter. Criteria: EGL Classification Definitions 2015. Collection method: clinical testing. Allele origin: germline. Observed: 1 variant allele, 1 heterozygote.

Clinical Genetics DNA and cytogenetics Diagnostics Lab, Erasmus MC, Erasmus Medical Center
Classification: Likely benign. Review status: no assertion criteria provided. Collection method: clinical testing. Allele origin: germline. Affected: yes. Study: VKGL Data-share Consensus. Not counted in ClinVar's aggregate classification.

Clinical Genetics, Academic Medical Center
Classification: Likely benign. Review status: no assertion criteria provided. Collection method: clinical testing. Allele origin: germline. Affected: yes. Study: VKGL Data-share Consensus. Not counted in ClinVar's aggregate classification.

NM_000260.4(MYO7A):c.4845C>A (p.Pro1615=)

Gene: MYO7A (myosin VIIA; plus strand). Cytogenetic location: 11q13.5.
Variant type: single nucleotide variant.
Coding change: c.4845C>A on transcript NM_000260.4 (MANE Select); coding-DNA position 4845, C replaced by A.
Protein change: p.Pro1615=; no amino-acid change (proline 1615 retained).
Molecular consequence: synonymous variant.
Genome position (GRCh38, 1-based): chr11:77,199,811, C>A. VCF-style: chr11-77199811-C-A. GRCh37 (hg19) VCF-style: chr11-76910856-C-A.
Other names: c.4731C>A, p.Pro1577= (NM_001127180.2); c.4698C>A, p.Pro1566= (NM_001369365.1).
Identifiers: ClinVar variation 178625 (VCV000178625.27), dbSNP rs61900036, ClinGen allele CA182688.